The following is an entry in ClinVar:

NM_001012614.2(CTBP1):c.262G>A (p.Gly88Ser)

Gene: CTBP1 (C-terminal binding protein 1; minus strand). Cytogenetic location: 4p16.3.
Variant type: single nucleotide variant.
Coding change: c.262G>A on transcript NM_001012614.2 (MANE Select); coding-DNA position 262, G replaced by A.
Protein change: p.Gly88Ser; replaces glycine 88 with serine.
Molecular consequence: missense variant.
Genome position (GRCh38, 1-based): chr4:1,228,244, C>T on the plus strand (G>A on the coding strand, the complement: CTBP1 is on the minus strand). VCF-style: chr4-1228244-C-T. GRCh37 (hg19) VCF-style: chr4-1222032-C-T.
Other names: c.295G>A, p.Gly99Ser (NM_001328.3, NM_001377186.1); c.262G>A, p.Gly88Ser (NM_001377187.1, NM_001377188.1, NM_001377189.1 and 4 more transcripts); short protein forms G88S, G99S.
Identifiers: ClinVar variation 3372912 (VCV003372912.1).
Genomic context (GRCh38, chr4:1,228,244, plus strand): 5'-TCGGAGCCGGCCTACCTAAATCCCCGGCCGACTTGATGTCGATGTTGTCAAAACCACTGC[C>T]AATCCGGACGATGATGCGGAGGGCTTTGAACTTCTCCAGGTCCTCCCTGGTGAGAGTGAT-3'
Protein context (NP_001012632.1, residues 78-98): FKALRIIVRI[Gly88Ser]SGFDNIDIKS

ClinVar aggregate classification (germline): Uncertain significance (1 of 4 stars; one submission).

Submission:

GeneDx
Classification: Uncertain significance. Last evaluated: 2024-04-23. Review status: criteria provided, single submitter. Criteria: GeneDx Variant Classification Process June 2021. Collection method: clinical testing. Allele origin: germline. Affected: yes.
Comment: Not observed at significant frequency in large population cohorts (gnomAD); In silico analysis supports that this missense variant has a deleterious effect on protein structure/function; Has not been previously published as pathogenic or benign to our knowledge